The following is an entry in ClinVar:

NM_194277.3(FRMD7):c.1750G>A (p.Glu584Lys)

Gene: FRMD7 (FERM domain containing 7; minus strand). Cytogenetic location: Xq26.2.
Variant type: single nucleotide variant.
Coding change: c.1750G>A on transcript NM_194277.3 (MANE Select); coding-DNA position 1750, G replaced by A.
Protein change: p.Glu584Lys; replaces glutamic acid 584 with lysine.
Molecular consequence: missense variant.
Genome position (GRCh38, 1-based): chrX:132,078,267, C>T on the plus strand (G>A on the coding strand, the complement: FRMD7 is on the minus strand). VCF-style: chrX-132078267-C-T. GRCh37 (hg19) VCF-style: chrX-131212295-C-T.
Other names: c.1705G>A, p.Glu569Lys (NM_001306193.2); short protein forms E569K, E584K.
Identifiers: ClinVar variation 1963592 (VCV001963592.5), dbSNP rs752113123, ClinGen allele CA10518824.

ClinVar aggregate classification (germline): Uncertain significance (1 of 4 stars; one submission).

Allele frequency attached by ClinVar (database versions not stated): gnomAD exomes below 0.00001; TOPMed below 0.00001; ExAC 0.00001; gnomAD 0.00001.
gnomAD v4.1: 2 of 1,209,745 alleles (0.00017%); highest among the groups gnomAD compares: Non-Finnish European, 0.00022%; no homozygotes.

Submission:

Labcorp Genetics (formerly Invitae), Labcorp
Classification: Uncertain significance. Last evaluated: 2022-05-25. Review status: criteria provided, single submitter. Criteria: Invitae Variant Classification Sherloc (09022015). Collection method: clinical testing. Allele origin: germline.
Comment: This variant has not been reported in the literature in individuals affected with FRMD7-related conditions. In summary, the available evidence is currently insufficient to determine the role of this variant in disease. Therefore, it has been classified as a Variant of Uncertain Significance. Algorithms developed to predict the effect of missense changes on protein structure and function output the following: SIFT: "Tolerated"; PolyPhen-2: "Benign"; Align-GVGD: "Class C0". The lysine amino acid residue is found in multiple mammalian species, which suggests that this missense change does not adversely affect protein function. This variant is present in population databases (rs752113123, gnomAD 0.001%), including at least one homozygous and/or hemizygous individual. This sequence change replaces glutamic acid, which is acidic and polar, with lysine, which is basic and polar, at codon 584 of the FRMD7 protein (p.Glu584Lys).